The following is an entry in ClinVar:

NM_001165963.4(SCN1A):c.4540T>A (p.Leu1514Ile)

Genes: SCN1A (sodium voltage-gated channel alpha subunit 1; minus strand), LOC102724058 (uncharacterized LOC102724058; plus strand). Cytogenetic location: 2q24.3.
Variant type: single nucleotide variant.
Coding change: c.4540T>A on transcript NM_001165963.4 (MANE Select); coding-DNA position 4540, T replaced by A.
Protein change: p.Leu1514Ile; replaces leucine 1514 with isoleucine.
Molecular consequence: missense variant. On other transcripts: non-coding transcript variant (1).
Genome position (GRCh38, 1-based): chr2:165,996,054, A>T on the plus strand (T>A on the coding strand, the complement: SCN1A is on the minus strand). VCF-style: chr2-165996054-A-T. GRCh37 (hg19) VCF-style: chr2-166852564-A-T.
Other names: c.4456T>A, p.Leu1486Ile (NM_001165964.3, NM_001353957.2, NM_001353958.2); c.4453T>A, p.Leu1485Ile (NM_001353960.2); c.2098T>A, p.Leu700Ile (NM_001353961.2); c.4507T>A, p.Leu1503Ile (NM_006920.6, NM_001353949.2, NM_001353950.2 and 2 more transcripts); c.4540T>A, p.Leu1514Ile (NM_001202435.3, NM_001353948.2); c.4504T>A, p.Leu1502Ile (NM_001353954.2, NM_001353955.2); short protein forms L1503I, L1514I, L700I, L1485I, L1486I, L1502I.
Identifiers: ClinVar variation 2763446 (VCV002763446.3), dbSNP rs770761607, ClinGen allele CA1942779.

ClinVar aggregate classification (germline): Likely pathogenic (1 of 4 stars; one submission).

Conditions:
Early-infantile DEE. Also called: Ohtahara syndrome; Early infantile epileptic encephalopathy; Early infantile epileptic encephalopathy with suppression bursts. Identifiers: Orphanet 1934, MedGen C0393706, MONDO:0800491.

Allele frequency attached by ClinVar (database versions not stated): ExAC 0.00001; gnomAD exomes 0.00001.
gnomAD v4.1: 6 of 1,609,440 alleles (0.00037%); highest among the groups gnomAD compares: Non-Finnish European, 0.00042%; no homozygotes.

Submission:

Labcorp Genetics (formerly Invitae), Labcorp
Classification: Likely pathogenic for Early-infantile DEE. Last evaluated: 2023-09-15. Review status: criteria provided, single submitter. Criteria: Invitae Variant Classification Sherloc (09022015). Collection method: clinical testing. Allele origin: germline.
Comment: This sequence change replaces leucine, which is neutral and non-polar, with isoleucine, which is neutral and non-polar, at codon 1514 of the SCN1A protein (p.Leu1514Ile). This variant is present in population databases (rs770761607, gnomAD 0.0009%). This variant has not been reported in the literature in individuals affected with SCN1A-related conditions. Advanced modeling of protein sequence and biophysical properties (such as structural, functional, and spatial information, amino acid conservation, physicochemical variation, residue mobility, and thermodynamic stability) performed at Invitae indicates that this missense variant is expected to disrupt SCN1A protein function. This variant disrupts the p.Leu1514 amino acid residue in SCN1A. Other variant(s) that disrupt this residue have been determined to be pathogenic (PMID: 20522430; Invitae). This suggests that this residue is clinically significant, and that variants that disrupt this residue are likely to be disease-causing. In summary, the currently available evidence indicates that the variant is pathogenic, but additional data are needed to prove that conclusively. Therefore, this variant has been classified as Likely Pathogenic.

Literature cited by the submitters: PubMed 20522430.